The following is an entry in ClinVar:

ClinVar aggregate classification (germline): Uncertain significance. Review status: criteria provided, multiple submitters, no conflicts (2 of 4 stars). 4 submissions from 4 submitters: Uncertain significance (3). 1 of the submissions does not count toward it. Last evaluated 2024-01-24.

Conditions:
Autosomal recessive nonsyndromic hearing loss 77. Identifiers: Orphanet 90636, MedGen C2746083, MONDO:0013119, OMIM 613079.

Allele frequency attached by ClinVar (database versions not stated): TOPMed 0.00002.
gnomAD v4.1: 8 of 1,552,052 alleles (0.00052%); highest among the groups gnomAD compares: South Asian, 0.0024%; no homozygotes.

Submissions (4):

Labcorp Genetics (formerly Invitae), Labcorp
Classification: Uncertain significance. Last evaluated: 2024-01-24. Review status: criteria provided, single submitter. Criteria: Invitae Variant Classification Sherloc (09022015). Collection method: clinical testing. Allele origin: germline.
Comment: This sequence change replaces glutamic acid, which is acidic and polar, with lysine, which is basic and polar, at codon 1049 of the LOXHD1 protein (p.Glu1049Lys). This variant is not present in population databases (gnomAD no frequency). This variant has not been reported in the literature in individuals affected with LOXHD1-related conditions. ClinVar contains an entry for this variant (Variation ID: 178821). An algorithm developed to predict the effect of missense changes on protein structure and function (PolyPhen-2) suggests that this variant¬†is likely to be tolerated. In summary, the available evidence is currently insufficient to determine the role of this variant in disease. Therefore, it has been classified as a Variant of Uncertain Significance.

Blueprint Genetics
Classification: Uncertain significance. Last evaluated: 2023-06-27. Review status: criteria provided, single submitter. Criteria: ACMG Guidelines, 2015. Collection method: clinical testing. Allele origin: germline.

Laboratory for Molecular Medicine, Mass General Brigham Personalized Medicine
Classification: Uncertain significance. Last evaluated: 2014-09-09. Review status: criteria provided, single submitter. Criteria: LMM Criteria. Collection method: clinical testing. Allele origin: germline. Observed: 2 variant alleles.
Comment: Variant classified as Uncertain Significance - Favor Benign. This variant was absent from large population studies. Computational prediction tools and conservation analyses do not provid e strong support for or against an impact to the protein. In summary, the clinic al significance of the Glu1049Lys variant is uncertain.

Natera, Inc.
Classification: Uncertain significance for Autosomal recessive deafness type 77. Last evaluated: 2020-09-16. Review status: no assertion criteria provided. Collection method: clinical testing. Allele origin: germline. Not counted in ClinVar's aggregate classification.

NM_001384474.1(LOXHD1):c.3145G>A (p.Glu1049Lys)

Gene: LOXHD1 (lipoxygenase homology PLAT domains 1; minus strand). Cytogenetic location: 18q21.1.
Variant type: single nucleotide variant.
Coding change: c.3145G>A on transcript NM_001384474.1 (MANE Select); coding-DNA position 3145, G replaced by A.
Protein change: p.Glu1049Lys; replaces glutamic acid 1049 with lysine.
Molecular consequence: missense variant.
Genome position (GRCh38, 1-based): chr18:46,559,519, C>T on the plus strand (G>A on the coding strand, the complement: LOXHD1 is on the minus strand). VCF-style: chr18-46559519-C-T. GRCh37 (hg19) VCF-style: chr18-44139482-C-T.
Other names: c.3145G>A, p.Glu1049Lys (NM_144612.7); short protein forms E1049K.
Identifiers: ClinVar variation 178821 (VCV000178821.11), dbSNP rs727504468, ClinGen allele CA183101.